The following is an entry in ClinVar:

NM_012335.4(MYO1F):c.4-4C>A

Gene: MYO1F (myosin IF; minus strand). Cytogenetic location: 19p13.2.
Variant type: single nucleotide variant.
Coding change: c.4-4C>A on transcript NM_012335.4 (MANE Select); 4 bases into the intron before coding-DNA position 4, C replaced by A.
Molecular consequence: intron variant.
Genome position (GRCh38, 1-based): chr19:8,555,800, G>T on the plus strand (C>A on the coding strand, the complement: MYO1F is on the minus strand). VCF-style: chr19-8555800-G-T. GRCh37 (hg19) VCF-style: chr19-8620684-G-T.
Other names: c.4-4C>A (NM_001348355.2).
Identifiers: ClinVar variation 3050463 (VCV003050463.2), dbSNP rs79734627, ClinGen allele CA9159855.

ClinVar aggregate classification (germline): Likely benign (0 of 4 stars; one submission).

Conditions:
MYO1F-related disorder. Also called: MYO1F-related condition.

Allele frequency attached by ClinVar (database versions not stated): ESP Exome Variant Server 0.00097; TOPMed 0.00136; gnomAD 0.00137; 1000 Genomes Project 0.00319; 1000 Genomes Project 30x 0.00359.
gnomAD v4.1: 412 of 1,610,734 alleles (0.026%); highest among the groups gnomAD compares: African/African-American, 0.48%; 1 homozygote.

Submission:

PreventionGenetics, part of Exact Sciences
Classification: Likely benign for MYO1F-related condition. Last evaluated: 2019-07-12. Review status: no assertion criteria provided. Collection method: clinical testing. Allele origin: germline.
Comment: This variant is classified as likely benign based on ACMG/AMP sequence variant interpretation guidelines (Richards et al. 2015 PMID: 25741868, with internal and published modifications).